The following is an entry in ClinVar:

NM_000383.4(AIRE):c.1103dup (p.Leu370fs)

Gene: AIRE (autoimmune regulator; plus strand). Cytogenetic location: 21q22.3.
Variant type: Duplication.
Coding change: c.1103dup on transcript NM_000383.4 (MANE Select); coding-DNA position 1103, one base duplicated (C; older notation c.1103dupC).
Protein change: p.Leu370fs; shifts the reading frame from leucine 370.
Molecular consequence: frameshift variant.
Genome position (GRCh38, 1-based): chr21:44,293,000, C duplicated; the last of 6 consecutive C bases (chr21:44,292,995-44,293,000); duplicating any one gives the same sequence. VCF-style (leftmost placement, unchanged base first): chr21-44292994-T-TC. GRCh37 (hg19) VCF-style: chr21-45712877-T-TC.
Other names: c.1103dupC (NM_000383.4); short protein forms L370fs.
Identifiers: ClinVar variation 3311 (VCV000003311.12), dbSNP rs387906293, ClinGen allele CA116143.

ClinVar aggregate classification (germline): Pathogenic. Review status: criteria provided, multiple submitters, no conflicts (2 of 4 stars). 3 submissions from 3 submitters: Pathogenic (2). 1 of the submissions does not count toward it. Last evaluated 2025-11-12.

Conditions:
Polyglandular autoimmune syndrome, type 1 (APS1). Also called: Autoimmune polyendocrinopathy syndrome, type I; HYPOADRENOCORTICISM WITH HYPOPARATHYROIDISM AND SUPERFICIAL MONILIASIS; Autoimmune polyendocrine syndrome type 1; APS I; Autoimmune polyendocrinopathy syndrome , type I, with or without reversible metaphyseal dysplasia; Whitaker syndrome. Identifiers: Orphanet 3453, MedGen C0085859, MONDO:0009411, OMIM 240300.

Submissions (3):

Labcorp Genetics (formerly Invitae), Labcorp
Classification: Pathogenic for Polyglandular autoimmune syndrome, type 1. Last evaluated: 2025-11-12. Review status: criteria provided, single submitter. Criteria: Invitae Variant Classification Sherloc (09022015). Collection method: clinical testing. Allele origin: germline.
Comment: This sequence change creates a premature translational stop signal (p.Leu370Alafs*2) in the AIRE gene. It is expected to result in an absent or disrupted protein product. Loss-of-function variants in AIRE are known to be pathogenic (PMID: 11524731, 26141571). This variant is not present in population databases (gnomAD no frequency). This premature translational stop signal has been observed in individual(s) with autosomal recessive autoimmune polyendocrinopathy with candidiasis and ectodermal dysplasia (APECED) (PMID: 10946904). It has also been observed to segregate with disease in related individuals. This variant is also known as '29635insC'. ClinVar contains an entry for this variant (Variation ID: 3311). For these reasons, this variant has been classified as Pathogenic.

Women's Health and Genetics/Laboratory Corporation of America, LabCorp
Classification: Pathogenic for Polyglandular autoimmune syndrome, type 1. Last evaluated: 2024-10-31. Review status: criteria provided, single submitter. Criteria: LabCorp Variant Classification Summary - May 2015. Collection method: clinical testing. Allele origin: germline.
Comment: Variant summary: AIRE c.1103dupC (p.Leu370AlafsX2) results in a premature termination codon, predicted to cause a truncation of the encoded protein or absence of the protein due to nonsense mediated decay, which are commonly known mechanisms for disease. The frequency data for this variant in gnomAD is considered unreliable, as metrics indicate poor data quality at this position. c.1103dupC has been reported in the literature in at-least one homozygous individual affected with Autoimmune Polyglandular Syndrome Type 1 (example: Ferreira_2020). These data indicate that the variant may be associated with disease. The following publication has been ascertained in the context of this evaluation (PMID: 33434148). ClinVar contains an entry for this variant (Variation ID: 3311). Based on the evidence outlined above, the variant was classified as pathogenic.

OMIM
Classification: Pathogenic for AUTOIMMUNE POLYENDOCRINOPATHY SYNDROME, TYPE I. Last evaluated: 2000-08-01. Review status: no assertion criteria provided. Collection method: literature only. Allele origin: germline. Not counted in ClinVar's aggregate classification.

Literature cited by the submitters: PubMed 11524731 (cited by Labcorp Genetics (formerly Invitae), Labcorp); PubMed 26141571 (cited by Labcorp Genetics (formerly Invitae), Labcorp); PubMed 10946904 (cited by 3 submitters); PubMed 33434148 (cited by Women's Health and Genetics/Laboratory Corporation of America, LabCorp).